The following is an entry in ClinVar:

NM_017755.6(NSUN2):c.312C>G (p.Asp104Glu)

Gene: NSUN2 (NOP2/Sun RNA methyltransferase 2; minus strand). Cytogenetic location: 5p15.31.
Variant type: single nucleotide variant.
Coding change: c.312C>G on transcript NM_017755.6 (MANE Select); coding-DNA position 312, C replaced by G.
Protein change: p.Asp104Glu; replaces aspartic acid 104 with glutamic acid.
Molecular consequence: missense variant. On other transcripts: non-coding transcript variant (1), intron variant (1).
Genome position (GRCh38, 1-based): chr5:6,631,920, G>C on the plus strand (C>G on the coding strand, the complement: NSUN2 is on the minus strand). VCF-style: chr5-6631920-G-C. GRCh37 (hg19) VCF-style: chr5-6632033-G-C.
Other names: c.254+679C>G (NM_001193455.2); short protein forms D104E.
Identifiers: ClinVar variation 2430882 (VCV002430882.1), dbSNP rs201409736, ClinGen allele CA3192851.
Genomic context (GRCh38, chr5:6,631,920, plus strand): 5'-CTGTGGTACCTACCAACTCAGTGGCTGTGGAACTTCAACTTTCTGACCGTCCACCTCCAG[G>C]TCCTCCAATTCCTTAAAATATTTGTTCTTTAAGCAATGGAGAATCTCTTTTGCGTGGCTA-3'
Protein context (NP_060225.4, residues 94-114): LKNKYFKELE[Asp104Glu]LEVDGQKVEV

ClinVar aggregate classification (germline): Uncertain significance (1 of 4 stars; one submission).

Allele frequency attached by ClinVar (database versions not stated): gnomAD exomes below 0.00001; ExAC 0.00001; gnomAD 0.00001; 1000 Genomes Project 30x 0.00016; 1000 Genomes Project 0.00020.
gnomAD v4.1: 6 of 1,614,068 alleles (0.00037%); highest among the groups gnomAD compares: Middle Eastern, 0.016%; no homozygotes.

Submission:

GeneDx
Classification: Uncertain significance. Last evaluated: 2022-08-15. Review status: criteria provided, single submitter. Criteria: GeneDx Variant Classification Process June 2021. Collection method: clinical testing. Allele origin: germline. Affected: yes.
Comment: Not observed at significant frequency in large population cohorts (gnomAD); In silico analysis supports that this missense variant does not alter protein structure/function; Has not been previously published as pathogenic or benign to our knowledge